The following is an entry in ClinVar:

ClinVar aggregate classification (germline): Pathogenic/Likely pathogenic. Review status: criteria provided, multiple submitters, no conflicts (2 of 4 stars). 3 submissions from 3 submitters: Pathogenic (1); Likely pathogenic (1). 1 of the submissions does not count toward it. Last evaluated 2022-10-04.

Conditions:
Cardiovascular phenotype. Identifiers: MedGen CN230736.
Danon disease. Also called: ANTOPOL DISEASE; PSEUDOGLYCOGENOSIS II; GSD IIb; LYSOSOMAL GLYCOGEN STORAGE DISEASE WITHOUT ACID MALTASE DEFICIENCY; Glycogen Storage Disease Type IIb. Identifiers: Orphanet 34587, MedGen C0878677, MONDO:0010281, OMIM 300257.

Submissions (3):

Ambry Genetics
Classification: Likely pathogenic for Cardiovascular phenotype. Last evaluated: 2022-10-04. Review status: criteria provided, single submitter. Criteria: Ambry Variant Classification Scheme 2023. Collection method: clinical testing. Allele origin: germline.
Comment: The c.741+1G>A intronic variant results from a G to A substitution one nucleotide after coding exon 5 of the LAMP2 gene. This alteration has been reported in three individuals with Danon disease (Nishino I et al. Nature, 2000 Aug;406:906-10). This variant is considered to be rare based on population cohorts in the Genome Aggregation Database (gnomAD). This nucleotide position is highly conserved in available vertebrate species. In silico splice site analysis predicts that this alteration will weaken the native splice donor site and will result in the creation or strengthening of a novel splice donor site. In addition, alterations that disrupt the canonical splice site are expected to cause aberrant splicing, resulting in an abnormal protein or a transcript that is subject to nonsense-mediated mRNA decay. Based on the majority of available evidence to date, this variant is likely to be pathogenic.

Labcorp Genetics (formerly Invitae), Labcorp
Classification: Pathogenic for Danon disease. Last evaluated: 2022-03-22. Review status: criteria provided, single submitter. Criteria: Invitae Variant Classification Sherloc (09022015). Collection method: clinical testing. Allele origin: germline.
Comment: For these reasons, this variant has been classified as Pathogenic. Studies have shown that disruption of this splice site results in activation of a cryptic splice site and introduces a premature termination codon (PMID: 10972294). The resulting mRNA is expected to undergo nonsense-mediated decay. ClinVar contains an entry for this variant (Variation ID: 9977). Disruption of this splice site has been observed in individuals with Danon disease (PMID: 10972294). This variant is not present in population databases (gnomAD no frequency). This sequence change affects a donor splice site in intron 5 of the LAMP2 gene. RNA analysis indicates that disruption of this splice site induces altered splicing and may result in an absent or disrupted protein product.

OMIM
Classification: Pathogenic for DANON DISEASE. Last evaluated: 2000-08-24. Review status: no assertion criteria provided. Collection method: literature only. Allele origin: germline. Not counted in ClinVar's aggregate classification.

Literature cited by the submitters: PubMed 10972294 (cited by 3 submitters); PubMed 6450334 (cited by OMIM); PubMed 6408499 (cited by OMIM).

NM_002294.3(LAMP2):c.741+1G>A

Gene: LAMP2 (lysosome associated membrane protein 2; minus strand). Cytogenetic location: Xq24.
Variant type: single nucleotide variant.
Coding change: c.741+1G>A on transcript NM_002294.3 (MANE Select); the canonical splice donor site of the intron after coding-DNA position 741, G replaced by A.
Molecular consequence: splice donor variant.
Genome position (GRCh38, 1-based): chrX:120,447,840, C>T on the plus strand (G>A on the coding strand, the complement: LAMP2 is on the minus strand). VCF-style: chrX-120447840-C-T. GRCh37 (hg19) VCF-style: chrX-119581695-C-T.
Other names: IVS5, G-A, +1; c.741+1G>A (NM_001122606.1, NM_013995.2).
Identifiers: ClinVar variation 9977 (VCV000009977.11), dbSNP rs1251075016, ClinGen allele CA414401135.